The following is an entry in ClinVar:

NM_001235.5(SERPINH1):c.955-7C>T

Gene: SERPINH1 (serpin family H member 1; plus strand). Cytogenetic location: 11q13.5.
Variant type: single nucleotide variant.
Coding change: c.955-7C>T on transcript NM_001235.5 (MANE Select); 7 bases into the intron before coding-DNA position 955, C replaced by T.
Molecular consequence: intron variant.
Genome position (GRCh38, 1-based): chr11:75,571,774, C>T. VCF-style: chr11-75571774-C-T. GRCh37 (hg19) VCF-style: chr11-75282819-C-T.
Other names: c.955-7C>T (NM_001235.3, NM_001207014.3).
Identifiers: ClinVar variation 2168675 (VCV002168675.6), dbSNP rs370438059, ClinGen allele CA6190983.

ClinVar aggregate classification (germline): Likely benign. Review status: criteria provided, single submitter (1 of 4 stars). 2 submissions from 2 submitters: Likely benign (1). 1 of the submissions does not count toward it. Last evaluated 2025-05-22.

Conditions:
SERPINH1-related disorder. Also called: SERPINH1-related condition.

Allele frequency attached by ClinVar (database versions not stated): gnomAD exomes 0.00003; ExAC 0.00008; ESP Exome Variant Server 0.00008; TOPMed 0.00010; gnomAD 0.00011; 1000 Genomes Project 0.00020; 1000 Genomes Project 30x 0.00031.
gnomAD v4.1: 55 of 1,613,034 alleles (0.0034%); highest among the groups gnomAD compares: African/African-American, 0.045%; no homozygotes.

Submissions (2):

Labcorp Genetics (formerly Invitae), Labcorp
Classification: Likely benign. Last evaluated: 2025-05-22. Review status: criteria provided, single submitter. Criteria: Invitae Variant Classification Sherloc (09022015). Collection method: clinical testing. Allele origin: germline.

PreventionGenetics, part of Exact Sciences
Classification: Likely benign for SERPINH1-related condition. Last evaluated: 2019-10-28. Review status: no assertion criteria provided. Collection method: clinical testing. Allele origin: germline. Not counted in ClinVar's aggregate classification.
Comment: This variant is classified as likely benign based on ACMG/AMP sequence variant interpretation guidelines (Richards et al. 2015 PMID: 25741868, with internal and published modifications).